The following is an entry in ClinVar:

NM_006736.6(DNAJB2):c.445G>A (p.Asp149Asn)

Gene: DNAJB2 (DnaJ heat shock protein family (Hsp40) member B2; plus strand). Cytogenetic location: 2q35.
Variant type: single nucleotide variant.
Coding change: c.445G>A on transcript NM_006736.6 (MANE Select); coding-DNA position 445, G replaced by A.
Protein change: p.Asp149Asn; replaces aspartic acid 149 with asparagine.
Molecular consequence: missense variant.
Genome position (GRCh38, 1-based): chr2:219,282,929, G>A. VCF-style: chr2-219282929-G-A. GRCh37 (hg19) VCF-style: chr2-220147651-G-A.
Other names: c.445G>A, p.Asp149Asn (NM_001039550.2); short protein forms D149N.
Identifiers: ClinVar variation 1306123 (VCV001306123.2), dbSNP rs751750146, ClinGen allele CA2122973.
Genomic context (GRCh38, chr2:219,282,929, plus strand): 5'-CGGGGTTCCCGACACTCAGGCCCCTTCTTTACCTTCTCTTCCTCCTTCCCTGGGCACTCC[G>A]GTAAGTTCTGCCCCTTCCCACGTTTGCAAGCTCCGATTCCTGGAACCCCTGGCTTGAGCT-3'
Protein context (NP_006727.2, residues 139-159): TFSSSFPGHS[Asp149Asn]FSSSSFSFSP

ClinVar aggregate classification (germline): Uncertain significance (1 of 4 stars; one submission).

Allele frequency attached by ClinVar (database versions not stated): gnomAD 0.00001; gnomAD exomes 0.00001; ExAC 0.00002; TOPMed 0.00002.
gnomAD v4.1: 13 of 1,593,882 alleles (0.00082%); highest among the groups gnomAD compares: Admixed American, 0.0036%; no homozygotes.

Submission:

GeneDx
Classification: Uncertain significance. Last evaluated: 2019-05-28. Review status: criteria provided, single submitter. Criteria: GeneDx Variant Classification Process June 2021. Collection method: clinical testing. Allele origin: germline. Affected: yes.
Comment: Not observed at a significant frequency in large population cohorts (Lek et al., 2016); In silico analysis, which includes protein predictors and evolutionary conservation, supports that this variant does not alter protein structure/function; Has not been previously published as pathogenic or benign to our knowledge